The following is an entry in ClinVar:

NM_005477.3(HCN4):c.1427T>C (p.Met476Thr)

Gene: HCN4 (hyperpolarization activated cyclic nucleotide gated potassium channel 4; minus strand). Cytogenetic location: 15q24.1.
Variant type: single nucleotide variant.
Coding change: c.1427T>C on transcript NM_005477.3 (MANE Select); coding-DNA position 1427, T replaced by C.
Protein change: p.Met476Thr; replaces methionine 476 with threonine.
Molecular consequence: missense variant.
Genome position (GRCh38, 1-based): chr15:73,329,736, A>G on the plus strand (T>C on the coding strand, the complement: HCN4 is on the minus strand). VCF-style: chr15-73329736-A-G. GRCh37 (hg19) VCF-style: chr15-73622077-A-G.
Other names: short protein forms M476T.
Identifiers: ClinVar variation 1963777 (VCV001963777.5), dbSNP rs2549071419, ClinGen allele CA393093987.

ClinVar aggregate classification (germline): Uncertain significance (1 of 4 stars; one submission).

Conditions:
Brugada syndrome 8 (BRGDA8). Identifiers: Orphanet 130, MedGen C2751083, MONDO:0013148, OMIM 613123.

Submission:

Labcorp Genetics (formerly Invitae), Labcorp
Classification: Uncertain significance for Brugada syndrome 8. Last evaluated: 2025-09-08. Review status: criteria provided, single submitter. Criteria: Invitae Variant Classification Sherloc (09022015). Collection method: clinical testing. Allele origin: germline.
Comment: This sequence change replaces methionine, which is neutral and non-polar, with threonine, which is neutral and polar, at codon 476 of the HCN4 protein (p.Met476Thr). This variant is not present in population databases (gnomAD no frequency). This variant has not been reported in the literature in individuals affected with HCN4-related conditions. ClinVar contains an entry for this variant (Variation ID: 1963777). Invitae Evidence Modeling of protein sequence and biophysical properties (such as structural, functional, and spatial information, amino acid conservation, physicochemical variation, residue mobility, and thermodynamic stability) indicates that this missense variant is expected to disrupt HCN4 protein function with a positive predictive value of 95%. In summary, the available evidence is currently insufficient to determine the role of this variant in disease. Therefore, it has been classified as a Variant of Uncertain Significance.